The following is an entry in ClinVar:

NM_000751.3(CHRND):c.1554G>T (p.Ter518Tyr)

Gene: CHRND (cholinergic receptor nicotinic delta subunit; plus strand). Cytogenetic location: 2q37.1.
Variant type: single nucleotide variant.
Coding change: c.1554G>T on transcript NM_000751.3 (MANE Select); coding-DNA position 1554, G replaced by T.
Protein change: p.Ter518Tyr.
Molecular consequence: stop lost.
Genome position (GRCh38, 1-based): chr2:232,535,312, G>T. VCF-style: chr2-232535312-G-T. GRCh37 (hg19) VCF-style: chr2-233400022-G-T.
Other names: c.1509G>T, p.Ter503Tyr (NM_001256657.2); c.972G>T, p.Ter324Tyr (NM_001311195.2); c.1251G>T, p.Ter417Tyr (NM_001311196.2).
Identifiers: ClinVar variation 1346277 (VCV001346277.6), dbSNP rs780761579, ClinGen allele CA2168384.

ClinVar aggregate classification (germline): Uncertain significance (1 of 4 stars; one submission).

Conditions:
Lethal multiple pterygium syndrome (LMPS). Identifiers: Orphanet 33108, MedGen C1854678, MONDO:0009668, OMIM 253290.

gnomAD v4.1: 2 of 1,613,114 alleles (0.00012%); highest among the groups gnomAD compares: Non-Finnish European, 0.00017%; no homozygotes.

Submission:

Labcorp Genetics (formerly Invitae), Labcorp
Classification: Uncertain significance for Lethal multiple pterygium syndrome. Last evaluated: 2021-11-30. Review status: criteria provided, single submitter. Criteria: Invitae Variant Classification Sherloc (09022015). Collection method: clinical testing. Allele origin: germline.
Comment: This variant is present in population databases (rs780761579, gnomAD 0.0009%). This sequence change disrupts the translational stop signal of the CHRND mRNA. It is expected to extend the length of the CHRND protein by 13 additional amino acid residues. This variant has not been reported in the literature in individuals affected with CHRND-related conditions. Experimental studies and prediction algorithms are not available or were not evaluated, and the functional significance of this variant is currently unknown. In summary, the available evidence is currently insufficient to determine the role of this variant in disease. Therefore, it has been classified as a Variant of Uncertain Significance.